The following is an entry in ClinVar:

ClinVar aggregate classification (germline): Likely benign (1 of 4 stars; one submission).

Allele frequency attached by ClinVar (database versions not stated): TOPMed 0.00003; gnomAD 0.00004; gnomAD exomes 0.00009; ExAC 0.00016.
gnomAD v4.1: 132 of 1,614,058 alleles (0.0082%); highest among the groups gnomAD compares: South Asian, 0.1%; 1 homozygote.

Submission:

CeGaT Center for Human Genetics Tuebingen
Classification: Likely benign. Last evaluated: 2024-05-01. Review status: criteria provided, single submitter. Criteria: CeGaT Center For Human Genetics Tuebingen Variant Classification Criteria Version 2. Collection method: clinical testing. Allele origin: germline. Affected: yes. Observed: 1 variant allele.
Comment: ADARB1: BP4, BP7

NM_001112.4(ADARB1):c.1656C>T (p.His552=)

Gene: ADARB1 (adenosine deaminase RNA specific B1; plus strand). Cytogenetic location: 21q22.3.
Variant type: single nucleotide variant.
Coding change: c.1656C>T on transcript NM_001112.4 (MANE Select); coding-DNA position 1656, C replaced by T.
Protein change: p.His552=; no amino-acid change (histidine 552 retained).
Molecular consequence: synonymous variant. On other transcripts: non-coding transcript variant (5).
Genome position (GRCh38, 1-based): chr21:45,204,645, C>T. VCF-style: chr21-45204645-C-T. GRCh37 (hg19) VCF-style: chr21-46624560-C-T.
Other names: c.588C>T, p.His196= (NM_001145407.1); c.1656C>T, p.His552= (NM_001160230.2, NM_001346688.2); c.1923C>T, p.His641= (NM_001346687.2); c.1803C>T, p.His601= (NM_001410722.1); c.1776C>T, p.His592= (NM_015833.4, NM_015834.4).
Identifiers: ClinVar variation 3239028 (VCV003239028.19), dbSNP rs370522638.